The following is an entry in ClinVar:

ClinVar aggregate classification (germline): Benign/Likely benign. Review status: criteria provided, multiple submitters, no conflicts (2 of 4 stars). 3 submissions from 3 submitters: Benign (1); Likely benign (2). Last evaluated 2025-10-01.

Conditions:
Familial thoracic aortic aneurysm and aortic dissection (TAAD). Also called: Thoracic aortic aneurysms and dissections. Identifiers: Orphanet 91387, MedGen C4707243, MONDO:0019625.
Hereditary cancer-predisposing syndrome. Also called: Neoplastic Syndromes, Hereditary; Hereditary neoplastic syndrome; Hereditary Cancer Syndrome; Tumor predisposition. Identifiers: Orphanet 140162, MedGen C0027672, MeSH D009386, MONDO:0015356.
Juvenile polyposis syndrome (JPS). Identifiers: Orphanet 2929, MedGen C0345893, MONDO:0017380, OMIM 174900.
Juvenile polyposis/hereditary hemorrhagic telangiectasia syndrome (JPHT). Also called: JP/HHT SYNDROME; JUVENILE POLYPOSIS WITH HEREDITARY HEMORRHAGIC TELANGIECTASIA; POLYPOSIS, GENERALIZED JUVENILE, WITH PULMONARY ARTERIOVENOUS MALFORMATION; TELANGIECTASIA, HEREDITARY HEMORRHAGIC, WITH JUVENILE POLYPOSIS COLI; Juvenile Polyposis Syndrome / Hereditary Hemorrhagic Telangiectasia (JPS/HHT). Identifiers: Orphanet 2929, MedGen C1832942, MONDO:0008278, OMIM 175050.

gnomAD v4.1: 3 of 1,613,944 alleles (0.00019%); highest among the groups gnomAD compares: Non-Finnish European, 0.00025%; no homozygotes.

Submissions (3):

Labcorp Genetics (formerly Invitae), Labcorp
Classification: Likely benign for Juvenile polyposis syndrome. Last evaluated: 2025-10-01. Review status: criteria provided, single submitter. Criteria: Invitae Variant Classification Sherloc (09022015). Collection method: clinical testing. Allele origin: germline.

Myriad Genetics, Inc.
Classification: Benign for Juvenile polyposis/hereditary hemorrhagic telangiectasia syndrome. Last evaluated: 2025-03-19. Review status: criteria provided, single submitter. Criteria: Myriad Autosomal Dominant, Autosomal Recessive and X-Linked Classification Criteria (2023). Collection method: clinical testing. Allele origin: unknown.
Comment: This variant is considered benign. This variant is a silent/synonymous amino acid change and it is not expected to impact splicing.

Ambry Genetics
Classification: Likely benign for Hereditary cancer-predisposing syndrome; Familial thoracic aortic aneurysm and aortic dissection. Last evaluated: 2019-06-13. Review status: criteria provided, single submitter. Criteria: Ambry Variant Classification Scheme 2023. Collection method: clinical testing. Allele origin: germline.

NM_005359.6(SMAD4):c.513G>C (p.Ser171=)

Gene: SMAD4 (SMAD family member 4; plus strand). Cytogenetic location: 18q21.2.
Variant type: single nucleotide variant.
Coding change: c.513G>C on transcript NM_005359.6 (MANE Select); coding-DNA position 513, G replaced by C.
Protein change: p.Ser171=; no amino-acid change (serine 171 retained).
Molecular consequence: synonymous variant.
Genome position (GRCh38, 1-based): chr18:51,054,839, G>C. VCF-style: chr18-51054839-G-C. GRCh37 (hg19) VCF-style: chr18-48581209-G-C.
Identifiers: ClinVar variation 825471 (VCV000825471.10), dbSNP rs1210446538, ClinGen allele CA503873693.